The following is an entry in ClinVar:

NM_004304.5(ALK):c.3892C>T (p.Pro1298Ser)

Gene: ALK (ALK receptor tyrosine kinase; minus strand). Cytogenetic location: 2p23.2.
Variant type: single nucleotide variant.
Coding change: c.3892C>T on transcript NM_004304.5 (MANE Select); coding-DNA position 3892, C replaced by T.
Protein change: p.Pro1298Ser; replaces proline 1298 with serine.
Molecular consequence: missense variant.
Genome position (GRCh38, 1-based): chr2:29,207,217, G>A on the plus strand (C>T on the coding strand, the complement: ALK is on the minus strand). VCF-style: chr2-29207217-G-A. GRCh37 (hg19) VCF-style: chr2-29430083-G-A.
Other names: c.688C>T, p.Pro230Ser (NM_001353765.2); short protein forms P1298S, P230S.
Identifiers: ClinVar variation 3223880 (VCV003223880.1), dbSNP rs774660639, ClinGen allele CA1593733.

ClinVar aggregate classification (germline): Uncertain significance (1 of 4 stars; one submission).

Conditions:
Hereditary cancer-predisposing syndrome. Also called: Tumor predisposition; Hereditary neoplastic syndrome; Hereditary Cancer Syndrome; Neoplastic Syndromes, Hereditary. Identifiers: Orphanet 140162, MedGen C0027672, MeSH D009386, MONDO:0015356.

Allele frequency attached by ClinVar (database versions not stated): gnomAD exomes below 0.00001; ExAC 0.00002.
gnomAD v4.1: 2 of 1,614,080 alleles (0.00012%); highest among the groups gnomAD compares: South Asian, 0.0022%; no homozygotes.

Submission:

Ambry Genetics
Classification: Uncertain significance for Hereditary cancer-predisposing syndrome. Last evaluated: 2023-09-29. Review status: criteria provided, single submitter. Criteria: Ambry Variant Classification Scheme 2023. Collection method: clinical testing. Allele origin: germline.
Comment: The p.P1298S variant (also known as c.3892C>T), located in coding exon 26 of the ALK gene, results from a C to T substitution at nucleotide position 3892. The proline at codon 1298 is replaced by serine, an amino acid with similar properties. This amino acid position is highly conserved in available vertebrate species. In addition, this alteration is predicted to be deleterious by in silico analysis. Since supporting evidence is limited at this time, the clinical significance of this alteration remains unclear.